The following is an entry in ClinVar:

NM_018896.5(CACNA1G):c.2945T>C (p.Leu982Ser)

Gene: CACNA1G (calcium voltage-gated channel subunit alpha1 G; plus strand). Cytogenetic location: 17q21.33.
Variant type: single nucleotide variant.
Coding change: c.2945T>C on transcript NM_018896.5 (MANE Select); coding-DNA position 2945, T replaced by C.
Protein change: p.Leu982Ser; replaces leucine 982 with serine.
Molecular consequence: missense variant. On other transcripts: non-coding transcript variant (3), intron variant (8).
Genome position (GRCh38, 1-based): chr17:50,595,027, T>C. VCF-style: chr17-50595027-T-C. GRCh37 (hg19) VCF-style: chr17-48672388-T-C.
Other names: c.2945T>C, p.Leu982Ser (NM_001256324.2, NM_001256325.2, NM_001256326.2 and 16 more transcripts); c.2911-1535T>C (NM_198396.3, NM_198379.3, NM_198387.3 and 5 more transcripts); short protein forms L982S.
Identifiers: ClinVar variation 3339837 (VCV003339837.1).
Genomic context (GRCh38, chr17:50,595,027, plus strand): 5'-TCCCCTGCCTCCCCCTTTCCCTGTAGGAAATCAGCAAACGGGAAGATGCGAGTGGACAGT[T>C]AAGCTGTATTCAGCTGCCTGTCGACTCCCAGGGGGTAGGTACGCGATCATGAGCCGGCAT-3'
Protein context (NP_061496.2, residues 972-992): ISKREDASGQ[Leu982Ser]SCIQLPVDSQ

ClinVar aggregate classification (germline): Uncertain significance (1 of 4 stars; one submission).

Submission:

Women's Health and Genetics/Laboratory Corporation of America, LabCorp
Classification: Uncertain significance. Last evaluated: 2024-06-24. Review status: criteria provided, single submitter. Criteria: LabCorp Variant Classification Summary - May 2015. Collection method: clinical testing. Allele origin: germline.
Comment: Variant summary: CACNA1G c.2945T>C (p.Leu982Ser) results in a non-conservative amino acid change in the encoded protein sequence. Three of five in-silico tools predict a damaging effect of the variant on protein function. The variant was absent in 163264 control chromosomes. The available data on variant occurrences in the general population are insufficient to allow any conclusion about variant significance. To our knowledge, no occurrence of c.2945T>C in individuals affected with Spinocerebellar Ataxia Type 42 and no experimental evidence demonstrating its impact on protein function have been reported. No submitters have cited clinical-significance assessments for this variant to ClinVar. Based on the evidence outlined above, the variant was classified as uncertain significance.